The following is an entry in ClinVar:

NM_001375883.1(GPR161):c.1195C>T (p.Gln399Ter)

Gene: GPR161 (G protein-coupled receptor 161; minus strand). Cytogenetic location: 1q24.2.
Variant type: single nucleotide variant.
Coding change: c.1195C>T on transcript NM_001375883.1 (MANE Select); coding-DNA position 1195, C replaced by T.
Protein change: p.Gln399Ter; replaces glutamine 399 with a stop codon.
Molecular consequence: nonsense.
Genome position (GRCh38, 1-based): chr1:168,090,573, G>A on the plus strand (C>T on the coding strand, the complement: GPR161 is on the minus strand). VCF-style: chr1-168090573-G-A. GRCh37 (hg19) VCF-style: chr1-168059811-G-A.
Other names: c.1255C>T, p.Gln419Ter (NM_001267609.1); c.1195C>T, p.Gln399Ter (NM_001267610.2, NM_001349632.1, NM_001349633.1 and 5 more transcripts); c.1246C>T, p.Gln416Ter (NM_001267611.1); c.799C>T, p.Gln267Ter (NM_001267612.2, NM_001349635.1); c.961C>T, p.Gln321Ter (NM_001267613.1); c.853C>T, p.Gln285Ter (NM_001267614.1); short protein forms Q267*, Q416*, Q321*, Q285*, Q399*, Q419*.
Identifiers: ClinVar variation 4719148 (VCV004719148.1).
Genomic context (GRCh38, chr1:168,090,573, plus strand): 5'-CAACACAGGGAAAACGCGACAGGTGAGAGGCTTATAAAGCACGCAGGTTACCTGAGTCCT[G>A]GGAGCAGCTGAAGCCAGTGTCCCCCGTGCTGCTGCTGTGCCCCAGGGGCTGTCCACCTGC-3'

ClinVar aggregate classification (germline): Uncertain significance (1 of 4 stars; one submission).

Submission:

Labcorp Genetics (formerly Invitae), Labcorp
Classification: Uncertain significance. Last evaluated: 2025-05-07. Review status: criteria provided, single submitter. Criteria: Invitae Variant Classification Sherloc (09022015). Collection method: clinical testing. Allele origin: germline.
Comment: This sequence change creates a premature translational stop signal (p.Gln419*) in the GPR161 gene. It is expected to result in an absent or disrupted protein product. However, the current clinical and genetic evidence is not sufficient to establish whether loss-of-function variants in GPR161 cause disease. This variant is not present in population databases (gnomAD no frequency). This variant has not been reported in the literature in individuals affected with GPR161-related conditions. In summary, the available evidence is currently insufficient to determine the role of this variant in disease. Therefore, it has been classified as a Variant of Uncertain Significance.